The following is an entry in ClinVar:

NM_007294.4(BRCA1):c.3479_3483del (p.Lys1160fs)

Genes: BRCA1 (BRCA1 DNA repair associated; minus strand), LOC126862571 (BRD4-independent group 4 enhancer GRCh37_chr17:41243136-41244335; plus strand). Cytogenetic location: 17q21.31.
Variant type: Deletion.
Coding change: c.3479_3483del on transcript NM_007294.4 (MANE Select); coding-DNA positions 3479 to 3483, 5 bases deleted (AGGAA; older notation c.3479_3483delAGGAA).
Protein change: p.Lys1160fs; shifts the reading frame from lysine 1160.
Molecular consequence: frameshift variant. On other transcripts: intron variant (135).
Genome position (GRCh38, 1-based): chr17:43,092,048-43,092,052, TTCCT deleted on the plus strand (AGGAA on the coding strand, the reverse complement: BRCA1 is on the minus strand); deleting any 5 consecutive bases within chr17:43,092,048-43,092,054 gives the same sequence; the c. name uses the placement nearest the transcript's 3' end. VCF-style (leftmost placement, unchanged base first): chr17-43092047-CTTCCT-C. GRCh37 (hg19) VCF-style: chr17-41244064-CTTCCT-C.
Other names: 3598del5; c.3266_3270del, p.Lys1089fs (NM_001407894.1, NM_001407895.1, NM_001407896.1 and 9 more transcripts); c.3269_3273del, p.Lys1090fs (NM_001407900.1, NM_001407902.1, NM_001407904.1 and 13 more transcripts); c.3356_3360del, p.Lys1119fs (NM_001407919.1, NM_001407937.1, NM_001407938.1 and 19 more transcripts); c.3215_3219del, p.Lys1072fs (NM_001407920.1, NM_001407921.1, NM_001407922.1 and 9 more transcripts); c.3212_3216del, p.Lys1071fs (NM_001407930.1, NM_001407931.1, NM_001407932.1 and 2 more transcripts); c.3353_3357del, p.Lys1118fs (NM_001407940.1, NM_001407941.1, NM_001407649.1 and 11 more transcripts); c.3338_3342del, p.Lys1113fs (NM_001407942.1, NM_001407944.1, NM_001407945.1 and 29 more transcripts); and 43 more; short protein forms K1113fs, K1160fs, K1089fs, K1112fs, K864fs, K992fs, K1032fs, K1048fs.
Identifiers: ClinVar variation 266373 (VCV000266373.6), dbSNP rs886040132, ClinGen allele CA10589750.

ClinVar aggregate classification (germline): Pathogenic. Review status: reviewed by expert panel (3 of 4 stars). 2 submissions from 2 submitters: Pathogenic (1). 1 of the submissions does not count toward it. Last evaluated 2016-10-18.

Conditions:
Breast-ovarian cancer, familial, susceptibility to, 1 (BROVCA1). Also called: BRCA1 Hereditary Breast and Ovarian Cancer; OVARIAN CANCER, SUSCEPTIBILITY TO. Identifiers: Orphanet 145, MedGen C2676676, MONDO:0011450, OMIM 604370. Disease mechanism: loss of function.

Submissions (2):

Evidence-based Network for the Interpretation of Germline Mutant Alleles (ENIGMA)
Classification: Pathogenic for Breast-ovarian cancer, familial, susceptibility to, 1. Last evaluated: 2016-10-18. Review status: reviewed by expert panel. Criteria: ENIGMA BRCA1/2 Classification Criteria (2015). Collection method: curation. Allele origin: germline.
Comment: Variant allele predicted to encode a truncated non-functional protein.

Consortium of Investigators of Modifiers of BRCA1/2 (CIMBA), c/o University of Cambridge
Classification: Pathogenic for Breast-ovarian cancer, familial, susceptibility to, 1. Last evaluated: 2015-10-02. Review status: criteria provided, single submitter. Criteria: CIMBA Mutation Classification guidelines May 2016. Collection method: clinical testing. Allele origin: germline. Not counted in ClinVar's aggregate classification.